The following is an entry in ClinVar:

NM_004415.4(DSP):c.2550_2552dup (p.Leu851dup)

Gene: DSP (desmoplakin; plus strand). Cytogenetic location: 6p24.3.
Variant type: Duplication.
Coding change: c.2550_2552dup on transcript NM_004415.4 (MANE Select); coding-DNA positions 2550 to 2552, 3 bases duplicated (TCT; older notation c.2550_2552dupTCT).
Protein change: p.Leu851dup; duplicates leucine 851.
Molecular consequence: inframe insertion.
Genome position (GRCh38, 1-based): chr6:7,575,408-7,575,410, TCT duplicated. VCF-style (leftmost placement, unchanged base first): chr6-7575407-A-ATCT. GRCh37 (hg19) VCF-style: chr6-7575640-A-ATCT.
Other names: c.2550_2552dup (LRG_423t1, NM_004415.2); c.2550_2552dup, p.Leu851dup (NM_001008844.3, NM_001319034.2).
Identifiers: ClinVar variation 180340 (VCV000180340.22), dbSNP rs730880373, ClinGen allele CA346315.

ClinVar aggregate classification (germline): Uncertain significance. Review status: criteria provided, multiple submitters, no conflicts (2 of 4 stars). 6 submissions from 6 submitters: Uncertain significance (6). Last evaluated 2025-12-19.

Conditions:
Cardiovascular phenotype. Identifiers: MedGen CN230736.
Arrhythmogenic right ventricular dysplasia 8 (ARVD8). Also called: ARRHYTHMOGENIC RIGHT VENTRICULAR DYSPLASIA, FAMILIAL, 8; ARRHYTHMOGENIC RIGHT VENTRICULAR CARDIOMYOPATHY 8; Arrhythmogenic Right Ventricular Dysplasia/Cardiomyopathy 8. Identifiers: MedGen C1843896, MONDO:0011831, OMIM 607450.
Arrhythmogenic cardiomyopathy with wooly hair and keratoderma. Also called: PALMOPLANTAR KERATODERMA WITH LEFT VENTRICULAR CARDIOMYOPATHY AND WOOLLY HAIR; Dilated cardiomyopathy with woolly hair and keratoderma; Arrhythmogenic cardiomyopathy with woolly hair and keratoderma; Carvajal syndrome. Identifiers: Orphanet 65282, MedGen C1854063, MONDO:0011581, OMIM 605676.
Cardiomyopathy (CMYO). Also called: Cardiomyopathies. Identifiers: Orphanet 167848, MedGen C0878544, MONDO:0004994, HP:0001638. Inheritance: Various modes of inheritance.

Allele frequency attached by ClinVar (database versions not stated): gnomAD 0.00001 and 0.00004; gnomAD exomes 0.00002 and 0.00012; ExAC 0.00003; TOPMed 0.00003; ESP Exome Variant Server 0.00008; 1000 Genomes Project 30x 0.00031.

Submissions (6):

Ambry Genetics
Classification: Uncertain significance for Cardiovascular phenotype. Last evaluated: 2025-12-19. Review status: criteria provided, single submitter. Criteria: Ambry Variant Classification Scheme 2023. Collection method: clinical testing. Allele origin: germline.
Comment: The c.2550_2552dupTCT variant (also known as p.L851dup), located in coding exon 18 of the DSP gene, results from an in-frame duplication of TCT at nucleotide positions 2550 to 2552. This results in the duplication of an extra leucine residue between codons 851 and 852. This variant was reported in individual(s) with features consistent with dilated cardiomyopathy (DCM) (Mazzarotto F et al. Circulation, 2020 Feb;141:387-398). This amino acid position is not well conserved in available vertebrate species. In addition, this alteration is predicted to be deleterious by in silico analysis (Choi Y et al. PLoS ONE. 2012; 7(10):e46688). Since supporting evidence is limited at this time, the clinical significance of this alteration remains unclear.

Labcorp Genetics (formerly Invitae), Labcorp
Classification: Uncertain significance for Arrhythmogenic cardiomyopathy with wooly hair and keratoderma; Arrhythmogenic right ventricular dysplasia 8. Last evaluated: 2025-10-20. Review status: criteria provided, single submitter. Criteria: Invitae Variant Classification Sherloc (09022015). Collection method: clinical testing. Allele origin: germline.
Comment: This variant, c.2550_2552dup, results in the insertion of 1 amino acid(s) of the DSP protein (p.Leu851dup), but otherwise preserves the integrity of the reading frame. This variant is present in population databases (rs772561169, gnomAD 0.004%). This variant has been observed in individual(s) with dilated cardiomyopathy (PMID: 31983221, 37652022). ClinVar contains an entry for this variant (Variation ID: 180340). Experimental studies and prediction algorithms are not available or were not evaluated, and the functional significance of this variant is currently unknown. In summary, the available evidence is currently insufficient to determine the role of this variant in disease. Therefore, it has been classified as a Variant of Uncertain Significance.

Color Diagnostics, LLC DBA Color Health
Classification: Uncertain significance for Cardiomyopathy. Last evaluated: 2025-06-20. Review status: criteria provided, single submitter. Criteria: ACMG Guidelines, 2015. Collection method: clinical testing. Allele origin: germline.
Comment: This variant causes an in-frame duplication of one amino acid at exon 18 of the DSP protein. To our knowledge, functional studies have not been reported for this variant. This variant has been reported in an individual affected with dilated cardiomyopathy (PMID: 31983221). This variant has been identified in 4/251436 chromosomes in the general population by the Genome Aggregation Database (gnomAD). The available evidence is insufficient to determine the role of this variant in disease conclusively. Therefore, this variant is classified as a Variant of Uncertain Significance.

Blueprint Genetics
Classification: Uncertain significance. Last evaluated: 2024-04-05. Review status: criteria provided, single submitter. Criteria: ACMG Guidelines, 2015. Collection method: clinical testing. Allele origin: germline.

AiLife Diagnostics
Classification: Uncertain significance. Last evaluated: 2022-02-21. Review status: criteria provided, single submitter. Criteria: ACMG Guidelines, 2015. Collection method: clinical testing. Allele origin: germline. Affected: yes. Observed: 1 variant allele.

Eurofins Ntd Llc (ga)
Classification: Uncertain significance. Last evaluated: 2015-07-08. Review status: criteria provided, single submitter. Criteria: EGL Classification Definitions. Collection method: clinical testing. Allele origin: germline. Observed: 1 variant allele, 1 heterozygote.

Literature cited by the submitters: PubMed 31983221 (cited by 3 submitters); PubMed 37652022 (cited by Labcorp Genetics (formerly Invitae), Labcorp).